The following is an entry in ClinVar:

NM_016306.6(DNAJB11):c.258C>G (p.Tyr86Ter)

Gene: DNAJB11 (DnaJ heat shock protein family (Hsp40) member B11; plus strand). Cytogenetic location: 3q27.3.
Variant type: single nucleotide variant.
Coding change: c.258C>G on transcript NM_016306.6 (MANE Select); coding-DNA position 258, C replaced by G.
Protein change: p.Tyr86Ter; replaces tyrosine 86 with a stop codon.
Molecular consequence: nonsense. On other transcripts: non-coding transcript variant (6).
Genome position (GRCh38, 1-based): chr3:186,575,872, C>G. VCF-style: chr3-186575872-C-G. GRCh37 (hg19) VCF-style: chr3-186293661-C-G.
Other names: c.258C>G, p.Tyr86Ter (NM_001378451.1); short protein forms Y86*.
Identifiers: ClinVar variation 3342272 (VCV003342272.1).

ClinVar aggregate classification (germline): Pathogenic (1 of 4 stars; one submission).

Conditions:
Polycystic kidney disease 6 with or without polycystic liver disease. Also called: Autosomal Dominant Polycystic Kidney Disease-DNAJB11. Identifiers: MedGen C4748044, MONDO:0054842, OMIM 618061.

Submission:

MVZ Medizinische Genetik Mainz
Classification: Pathogenic for Polycystic kidney disease 6 with or without polycystic liver disease. Last evaluated: 2024-08-21. Review status: criteria provided, single submitter. Criteria: UK Practice Guidelines For Variant Classification V4 01 2020. Collection method: clinical testing. Allele origin: germline. Inheritance: Autosomal dominant inheritance. Affected: yes. Observed: 1 variant allele.
Comment: ACMG Criteria: PVS1,PM2_SUP,PP4